The following is an entry in ClinVar:

ClinVar aggregate classification (germline): Uncertain significance (1 of 4 stars; one submission).

Submission:

Greenwood Genetic Center Diagnostic Laboratories, Greenwood Genetic Center
Classification: Uncertain significance. Last evaluated: 2024-06-21. Review status: criteria provided, single submitter. Criteria: ACMG Guidelines, 2015. Collection method: clinical testing. Allele origin: germline. Affected: yes.
Comment: Gene of Uncertain Significance

NM_030971.6(SFXN3):c.821G>A (p.Cys274Tyr)

Genes: PDZD7 (PDZ domain containing 7; minus strand), SFXN3 (sideroflexin 3; plus strand), LOC145387448 (uncharacterized LOC145387448; minus strand). Cytogenetic location: 10q24.31.
Variant type: single nucleotide variant.
Coding change: c.821G>A on transcript NM_030971.6 (MANE Select); coding-DNA position 821, G replaced by A.
Protein change: p.Cys274Tyr; replaces cysteine 274 with tyrosine.
Molecular consequence: missense variant. On other transcripts: non-coding transcript variant (8).
Genome position (GRCh38, 1-based): chr10:101,038,692, G>A. VCF-style: chr10-101038692-G-A. GRCh37 (hg19) VCF-style: chr10-102798449-G-A.
Other names: c.845G>A, p.Cys282Tyr (NM_001388027.1, NM_001388028.1); c.833G>A, p.Cys278Tyr (NM_001388029.1, NM_001388030.1, NM_001388031.1); c.782G>A, p.Cys261Tyr (NM_001388032.1); c.713G>A, p.Cys238Tyr (NM_001388033.1); c.548G>A, p.Cys183Tyr (NM_001388034.1, NM_001388035.1); short protein forms C183Y, C238Y, C261Y, C274Y, C278Y, C282Y.
Identifiers: ClinVar variation 3338574 (VCV003338574.1).